The following is an entry in ClinVar:

NM_001709.5(BDNF):c.239A>G (p.Asn80Ser)

Genes: BDNF (brain derived neurotrophic factor; minus strand), BDNF-AS (BDNF antisense RNA; plus strand). Cytogenetic location: 11p14.1.
Variant type: single nucleotide variant.
Coding change: c.239A>G on transcript NM_001709.5 (MANE Select); coding-DNA position 239, A replaced by G.
Protein change: p.Asn80Ser; replaces asparagine 80 with serine.
Molecular consequence: missense variant. On other transcripts: non-coding transcript variant (5).
Genome position (GRCh38, 1-based): chr11:27,658,326, T>C on the plus strand (A>G on the coding strand, the complement: BDNF is on the minus strand). VCF-style: chr11-27658326-T-C. GRCh37 (hg19) VCF-style: chr11-27679873-T-C.
Other names: c.239A>G, p.Asn80Ser (NM_001143805.1, NM_001143806.1, NM_001143807.2 and 9 more transcripts); c.326A>G, p.Asn109Ser (NM_001143809.2); c.485A>G, p.Asn162Ser (NM_001143810.2); c.263A>G, p.Asn88Ser (NM_170731.5); c.284A>G, p.Asn95Ser (NM_170734.4); short protein forms N109S, N162S, N80S, N88S, N95S.
Identifiers: ClinVar variation 3058922 (VCV003058922.2), dbSNP rs370382246, ClinGen allele CA5929119.

ClinVar aggregate classification (germline): Uncertain significance (0 of 4 stars; one submission).

Conditions:
BDNF-related disorder. Also called: BDNF-related condition.

Allele frequency attached by ClinVar (database versions not stated): ExAC 0.00004; ESP Exome Variant Server 0.00008; 1000 Genomes Project 30x 0.00016; 1000 Genomes Project 0.00020.

Submission:

PreventionGenetics, part of Exact Sciences
Classification: Uncertain significance for BDNF-related condition. Last evaluated: 2024-02-19. Review status: no assertion criteria provided. Collection method: clinical testing. Allele origin: germline.
Comment: The BDNF c.485A>G variant is predicted to result in the amino acid substitution p.Asn162Ser. To our knowledge, this variant has not been reported in the literature. This variant is reported in 0.0065% of alleles in individuals of South Asian descent in gnomAD. At this time, the clinical significance of this variant is uncertain due to the absence of conclusive functional and genetic evidence.